The following is an entry in ClinVar:

ClinVar aggregate classification (germline): Likely benign. Review status: criteria provided, multiple submitters, no conflicts (2 of 4 stars). 2 submissions from 2 submitters: Likely benign (2). Last evaluated 2026-01-26.

Conditions:
POLR3A-related disorder. Also called: POLR3A-related disorders; POLR3A-related condition. Identifiers: MedGen CN378587, MONDO:0700276.

Allele frequency attached by ClinVar (database versions not stated): ExAC 0.00001; gnomAD exomes 0.00002 and 0.00008; gnomAD 0.00003.
gnomAD v4.1: 117 of 1,613,960 alleles (0.0072%); highest among the groups gnomAD compares: Non-Finnish European, 0.0095%; no homozygotes.

Submissions (2):

Labcorp Genetics (formerly Invitae), Labcorp
Classification: Likely benign. Last evaluated: 2026-01-26. Review status: criteria provided, single submitter. Criteria: Invitae Variant Classification Sherloc (09022015). Collection method: clinical testing. Allele origin: germline.

PreventionGenetics, part of Exact Sciences
Classification: Likely benign for POLR3A-related condition. Last evaluated: 2025-12-11. Review status: criteria provided, single submitter. Criteria: ACMG Guidelines, 2015. Collection method: clinical testing. Allele origin: germline.
Comment: This variant is classified as likely benign based on ACMG/AMP sequence variant interpretation guidelines (Richards et al. 2015 PMID: 25741868, with internal and published modifications).

NM_007055.4(POLR3A):c.1053A>G (p.Arg351=)

Gene: POLR3A (RNA polymerase III subunit A; minus strand). Cytogenetic location: 10q22.3.
Variant type: single nucleotide variant.
Coding change: c.1053A>G on transcript NM_007055.4 (MANE Select); coding-DNA position 1053, A replaced by G.
Protein change: p.Arg351=; no amino-acid change (arginine 351 retained).
Molecular consequence: synonymous variant.
Genome position (GRCh38, 1-based): chr10:78,021,678, T>C on the plus strand (A>G on the coding strand, the complement: POLR3A is on the minus strand). VCF-style: chr10-78021678-T-C. GRCh37 (hg19) VCF-style: chr10-79781436-T-C.
Other names: c.1053A>G (NM_007055.3).
Identifiers: ClinVar variation 1598117 (VCV001598117.9), dbSNP rs376371251, ClinGen allele CA5571544.